The following is an entry in ClinVar:

NM_001122659.3(EDNRB):c.236G>A (p.Gly79Glu)

Gene: EDNRB (endothelin receptor type B; minus strand). Cytogenetic location: 13q22.3.
Variant type: single nucleotide variant.
Coding change: c.236G>A on transcript NM_001122659.3 (MANE Select); coding-DNA position 236, G replaced by A.
Protein change: p.Gly79Glu; replaces glycine 79 with glutamic acid.
Molecular consequence: missense variant.
Genome position (GRCh38, 1-based): chr13:77,918,338, C>T on the plus strand (G>A on the coding strand, the complement: EDNRB is on the minus strand). VCF-style: chr13-77918338-C-T. GRCh37 (hg19) VCF-style: chr13-78492473-C-T.
Other names: c.236G>A, p.Gly79Glu (NM_000115.5, NM_003991.4); c.506G>A, p.Gly169Glu (NM_001201397.2); short protein forms G169E, G79E.
Identifiers: ClinVar variation 4988511 (VCV004988511.1).

ClinVar aggregate classification (germline): Uncertain significance (1 of 4 stars; one submission).

Conditions:
EDNRB-related disorder. Also called: EDNRB-related condition; EDNRB-related disorders.

gnomAD v4.1: 5 of 1,613,912 alleles (0.00031%); highest among the groups gnomAD compares: African/African-American, 0.0053%; no homozygotes.

Submission:

PreventionGenetics, part of Exact Sciences
Classification: Uncertain significance for EDNRB-related condition. Last evaluated: 2026-07-14. Review status: criteria provided, single submitter. Criteria: ACMG Guidelines, 2015. Collection method: clinical testing. Allele origin: germline.
Comment: The EDNRB c.236G>A variant is predicted to result in the amino acid substitution p.Gly79Glu. To our knowledge, this variant has not been reported in the literature or in a large population database (gnomAD), indicating this variant is rare. At this time, the clinical significance of this variant is uncertain due to the absence of conclusive functional and genetic evidence.